The following is an entry in ClinVar:

NM_000051.4(ATM):c.8419-20T>C

Genes: ATM (ATM serine/threonine kinase; plus strand), C11orf65 (chromosome 11 open reading frame 65; minus strand). Cytogenetic location: 11q22.3.
Variant type: single nucleotide variant.
Coding change: c.8419-20T>C on transcript NM_000051.4 (MANE Select); 20 bases into the intron before coding-DNA position 8419, T replaced by C.
Molecular consequence: intron variant.
Genome position (GRCh38, 1-based): chr11:108,345,723, T>C. VCF-style: chr11-108345723-T-C. GRCh37 (hg19) VCF-style: chr11-108216450-T-C.
Other names: c.8419-20T>C (NM_001351834.2); c.641-36652A>G (NM_001330368.2); c.695-10431A>G (NM_001351110.2).
Identifiers: ClinVar variation 2747122 (VCV002747122.4), dbSNP rs2547441279, ClinGen allele CA2697558942.

ClinVar aggregate classification (germline): Likely benign. Review status: criteria provided, multiple submitters, no conflicts (2 of 4 stars). 2 submissions from 2 submitters: Likely benign (2). Last evaluated 2024-07-10.

Conditions:
Ataxia-telangiectasia syndrome (AT). Also called: LOUIS-BAR SYNDROME; Cerebello-oculocutaneous telangiectasia; Immunodeficiency with ataxia telangiectasia; Ataxia telangiectasia (A-T); Ataxia-telangiectasia, complementation group D; AT, COMPLEMENTATION GROUP C. Identifiers: Orphanet 100, MedGen C0004135, MONDO:0008840, OMIM 208900.
Familial cancer of breast. Also called: BREAST CANCER, FAMILIAL; Hereditary breast cancer; hereditary breast carcinoma. Identifiers: Orphanet 227535, MedGen C0346153, MONDO:0016419, OMIM 114480. Disease mechanism: loss of function.

Submissions (2):

Labcorp Genetics (formerly Invitae), Labcorp
Classification: Likely benign for Ataxia-telangiectasia syndrome. Last evaluated: 2024-07-10. Review status: criteria provided, single submitter. Criteria: Invitae Variant Classification Sherloc (09022015). Collection method: clinical testing. Allele origin: germline.

Myriad Genetics, Inc.
Classification: Likely benign for Familial cancer of breast. Last evaluated: 2024-06-19. Review status: criteria provided, single submitter. Criteria: Myriad Autosomal Dominant, Autosomal Recessive and X-Linked Classification Criteria (2023). Collection method: clinical testing. Allele origin: unknown.
Comment: This variant is considered likely benign. This variant is intronic and is not expected to impact mRNA splicing.